The following is an entry in ClinVar:

NM_018105.3(THAP1):c.*190C>A

Gene: THAP1 (THAP domain containing 1; minus strand). Cytogenetic location: 8p11.21.
Variant type: single nucleotide variant.
Coding change: c.*190C>A on transcript NM_018105.3 (MANE Select); 190 bases downstream of the stop codon, C replaced by A.
Molecular consequence: 3 prime UTR variant.
Genome position (GRCh38, 1-based): chr8:42,837,772, G>T on the plus strand (C>A on the coding strand, the complement: THAP1 is on the minus strand). VCF-style: chr8-42837772-G-T. GRCh37 (hg19) VCF-style: chr8-42692915-G-T.
Other names: c.*474C>A (NM_199003.2).
Identifiers: ClinVar variation 363120 (VCV000363120.5), dbSNP rs141658821, ClinGen allele CA10627878.

ClinVar aggregate classification (germline): Benign (1 of 4 stars; one submission).

Conditions:
Torsion dystonia 6 (DYT6). Also called: DYT-THAP1. Identifiers: Orphanet 98806, MedGen C1414216, MONDO:0011264, OMIM 602629.

Allele frequency attached by ClinVar (database versions not stated): TOPMed 0.00100; gnomAD 0.00132 and 0.00146; gnomAD exomes 0.00139; 1000 Genomes Project 0.00319; 1000 Genomes Project 30x 0.00328.
gnomAD v4.1: 688 of 479,086 alleles (0.14%); highest among the groups gnomAD compares: East Asian, 1.2%; 2 homozygotes.

Submission:

Illumina Laboratory Services, Illumina
Classification: Benign for Torsion dystonia 6. Last evaluated: 2018-01-13. Review status: criteria provided, single submitter. Criteria: ICSL Variant Classification Criteria 13 December 2019. Collection method: clinical testing. Allele origin: germline.
Comment: This variant was observed in the ICSL laboratory as part of a predisposition screen in an ostensibly healthy population. It had not been previously curated by ICSL or reported in the Human Gene Mutation Database (HGMD: prior to June 1st, 2018), and was therefore a candidate for classification through an automated scoring system. Utilizing variant allele frequency, disease prevalence and penetrance estimates, and inheritance mode, an automated score was calculated to assess if this variant is too frequent to cause the disease. Based on the score and internal cut-off values, a variant classified as benign is not then subjected to further curation. The score for this variant resulted in a classification of benign for this disease.